The following is an entry in ClinVar:

ClinVar aggregate classification (germline): Uncertain significance. Review status: criteria provided, multiple submitters, no conflicts (2 of 4 stars). 2 submissions from 2 submitters: Uncertain significance (2). Last evaluated 2023-12-16.

Conditions:
Inborn genetic diseases. Identifiers: MedGen C0950123, MeSH D030342.

Allele frequency attached by ClinVar (database versions not stated): gnomAD exomes below 0.00001; ExAC 0.00002.
gnomAD v4.1: 2 of 1,613,870 alleles (0.00012%); highest among the groups gnomAD compares: East Asian, 0.0022%; no homozygotes.

Submissions (2):

Ambry Genetics
Classification: Uncertain significance for Inborn genetic diseases. Last evaluated: 2023-12-16. Review status: criteria provided, single submitter. Criteria: Ambry Variant Classification Scheme 2023. Collection method: clinical testing. Allele origin: germline.

Labcorp Genetics (formerly Invitae), Labcorp
Classification: Uncertain significance. Last evaluated: 2022-11-07. Review status: criteria provided, single submitter. Criteria: Invitae Variant Classification Sherloc (09022015). Collection method: clinical testing. Allele origin: germline.
Comment: In summary, the available evidence is currently insufficient to determine the role of this variant in disease. Therefore, it has been classified as a Variant of Uncertain Significance. Advanced modeling of protein sequence and biophysical properties (such as structural, functional, and spatial information, amino acid conservation, physicochemical variation, residue mobility, and thermodynamic stability) performed at Invitae indicates that this missense variant is expected to disrupt FAT4 protein function. This variant has not been reported in the literature in individuals affected with FAT4-related conditions. The frequency data for this variant in the population databases is considered unreliable, as metrics indicate poor data quality at this position in the gnomAD database. This sequence change replaces proline, which is neutral and non-polar, with serine, which is neutral and polar, at codon 2565 of the FAT4 protein (p.Pro2565Ser).

NM_001291303.3(FAT4):c.7699C>T (p.Pro2567Ser)

Gene: FAT4 (FAT atypical cadherin 4; plus strand). Cytogenetic location: 4q28.1.
Variant type: single nucleotide variant.
Coding change: c.7699C>T on transcript NM_001291303.3 (MANE Select); coding-DNA position 7699, C replaced by T.
Protein change: p.Pro2567Ser; replaces proline 2567 with serine.
Molecular consequence: missense variant.
Genome position (GRCh38, 1-based): chr4:125,448,709, C>T. VCF-style: chr4-125448709-C-T. GRCh37 (hg19) VCF-style: chr4-126369864-C-T.
Other names: c.7699C>T, p.Pro2567Ser (NM_001291285.3); c.7693C>T, p.Pro2565Ser (NM_024582.6); c.7693C>T (NM_024582.4); short protein forms P2567S, P2565S.
Identifiers: ClinVar variation 1913118 (VCV001913118.6), dbSNP rs749170422, ClinGen allele CA3073241.